The following is an entry in ClinVar:

NM_005144.5(HR):c.2819G>A (p.Arg940Gln)

Gene: HR (HR lysine demethylase and nuclear receptor corepressor; minus strand). Cytogenetic location: 8p21.3.
Variant type: single nucleotide variant.
Coding change: c.2819G>A on transcript NM_005144.5 (MANE Select); coding-DNA position 2819, G replaced by A.
Protein change: p.Arg940Gln; replaces arginine 940 with glutamine.
Molecular consequence: missense variant.
Genome position (GRCh38, 1-based): chr8:22,120,131, C>T on the plus strand (G>A on the coding strand, the complement: HR is on the minus strand). VCF-style: chr8-22120131-C-T. GRCh37 (hg19) VCF-style: chr8-21977644-C-T.
Other names: c.2819G>A, p.Arg940Gln (NM_018411.4); short protein forms R940Q.
Identifiers: ClinVar variation 4739288 (VCV004739288.1).

ClinVar aggregate classification (germline): Uncertain significance (1 of 4 stars; one submission).

gnomAD v4.1: 20 of 1,592,684 alleles (0.0013%); highest among the groups gnomAD compares: Admixed American, 0.0054%; no homozygotes.

Submission:

Labcorp Genetics (formerly Invitae), Labcorp
Classification: Uncertain significance. Last evaluated: 2025-11-11. Review status: criteria provided, single submitter. Criteria: Invitae Variant Classification Sherloc (09022015). Collection method: clinical testing. Allele origin: germline.
Comment: This sequence change replaces arginine, which is basic and polar, with glutamine, which is neutral and polar, at codon 940 of the HR protein (p.Arg940Gln). This variant is present in population databases (rs575503255, gnomAD 0.007%). This variant has not been reported in the literature in individuals affected with HR-related conditions. An algorithm developed to predict the effect of missense changes on protein structure and function (PolyPhen-2) suggests that this variant is likely to be disruptive. In summary, the available evidence is currently insufficient to determine the role of this variant in disease. Therefore, it has been classified as a Variant of Uncertain Significance.